The following is an entry in ClinVar:

ClinVar aggregate classification (germline): Benign/Likely benign. Review status: criteria provided, multiple submitters, no conflicts (2 of 4 stars). 6 submissions from 6 submitters: Benign (2); Likely benign (4). Last evaluated 2026-06-01.

Conditions:
GSN-related disorder. Also called: GSN-related condition.
Inborn genetic diseases. Identifiers: MedGen C0950123, MeSH D030342.
Finnish type amyloidosis. Also called: Lattice corneal dystrophy associated with familial systemic amyloidosis; Meretoja's syndrome; Lattice dystrophy of the cornea with hereditary generalized amyloidosis; AMYLOIDOSIS, HEREDITARY SYSTEMIC 4, FINNISH TYPE; AMYLOID CRANIAL NEUROPATHY WITH LATTICE CORNEAL DYSTROPHY; AMYLOIDOSIS DUE TO MUTANT GELSOLIN. Identifiers: Orphanet 85448, MedGen C1622345, MONDO:0007097, OMIM 105120.

Allele frequency attached by ClinVar (database versions not stated): gnomAD 0.00057; ESP Exome Variant Server 0.00062; gnomAD exomes 0.00065 and 0.00080; ExAC 0.00066; TOPMed 0.00067; 1000 Genomes Project 30x 0.00078; 1000 Genomes Project 0.00080.
gnomAD v4.1: 1,231 of 1,611,556 alleles (0.076%); highest among the groups gnomAD compares: Non-Finnish European, 0.093%; 1 homozygote.

Submissions (6):

CeGaT Center for Human Genetics Tuebingen
Classification: Benign. Last evaluated: 2026-06-01. Review status: criteria provided, single submitter. Criteria: CeGaT Center For Human Genetics Tuebingen Variant Classification Criteria Version 2. Collection method: clinical testing. Allele origin: germline. Affected: yes. Observed: 4 variant alleles.
Comment: GSN: BS1, BS2

Labcorp Genetics (formerly Invitae), Labcorp
Classification: Likely benign. Last evaluated: 2026-01-10. Review status: criteria provided, single submitter. Criteria: Invitae Variant Classification Sherloc (09022015). Collection method: clinical testing. Allele origin: germline.

PreventionGenetics, part of Exact Sciences
Classification: Likely benign for GSN-related condition. Last evaluated: 2025-07-23. Review status: criteria provided, single submitter. Criteria: ACMG Guidelines, 2015. Collection method: clinical testing. Allele origin: germline.
Comment: This variant is classified as likely benign based on ACMG/AMP sequence variant interpretation guidelines (Richards et al. 2015 PMID: 25741868, with internal and published modifications).

Ambry Genetics
Classification: Likely benign for Inborn genetic diseases. Last evaluated: 2019-11-01. Review status: criteria provided, single submitter. Criteria: Ambry Variant Classification Scheme 2023. Collection method: clinical testing. Allele origin: germline.

Illumina Laboratory Services, Illumina
Classification: Benign for Finnish type amyloidosis. Last evaluated: 2018-01-12. Review status: criteria provided, single submitter. Criteria: ICSL Variant Classification Criteria 13 December 2019. Collection method: clinical testing. Allele origin: germline.
Comment: This variant was observed in the ICSL laboratory as part of a predisposition screen in an ostensibly healthy population. It had not been previously curated by ICSL or reported in the Human Gene Mutation Database (HGMD: prior to June 1st, 2018), and was therefore a candidate for classification through an automated scoring system. Utilizing variant allele frequency, disease prevalence and penetrance estimates, and inheritance mode, an automated score was calculated to assess if this variant is too frequent to cause the disease. Based on the score and internal cut-off values, a variant classified as benign is not then subjected to further curation. The score for this variant resulted in a classification of benign for this disease.

Breakthrough Genomics
Classification: Likely benign. Review status: criteria provided, single submitter. Criteria: ACMG Guidelines, 2015. Collection method: not provided. Allele origin: germline. Inheritance: Autosomal dominant inheritance. Affected: yes.

NM_198252.3(GSN):c.1931C>T (p.Thr644Met)

Gene: GSN (gelsolin; plus strand). Cytogenetic location: 9q33.2.
Variant type: single nucleotide variant.
Coding change: c.1931C>T on transcript NM_198252.3 (MANE Select); coding-DNA position 1931, C replaced by T.
Protein change: p.Thr644Met; replaces threonine 644 with methionine.
Molecular consequence: missense variant.
Genome position (GRCh38, 1-based): chr9:121,329,281, C>T. VCF-style: chr9-121329281-C-T. GRCh37 (hg19) VCF-style: chr9-124091559-C-T.
Other names: c.2084C>T, p.Thr695Met (NM_000177.5); c.1931C>T, p.Thr644Met (NM_001127662.2, NM_001127664.2, NM_001127665.2 and 10 more transcripts); c.2039C>T, p.Thr680Met (NM_001127663.2); c.1964C>T, p.Thr655Met (NM_001127666.2, NM_001127667.2, NM_001353063.2 and 13 more transcripts); c.1982C>T, p.Thr661Met (NM_001258029.2); c.1955C>T, p.Thr652Met (NM_001258030.2); c.2003C>T, p.Thr668Met (NM_001353076.2); c.1277C>T, p.Thr426Met (NM_001353078.2); short protein forms T655M, T695M, T644M, T661M, T652M, T680M, T668M, T426M.
Identifiers: ClinVar variation 364826 (VCV000364826.42), dbSNP rs144434647, ClinGen allele CA5221470.